The following is an entry in ClinVar:

NM_024642.5(GALNT12):c.36G>A (p.Arg12=)

Gene: GALNT12 (polypeptide N-acetylgalactosaminyltransferase 12; plus strand). Cytogenetic location: 9q22.33.
Variant type: single nucleotide variant.
Coding change: c.36G>A on transcript NM_024642.5 (MANE Select); coding-DNA position 36, G replaced by A.
Protein change: p.Arg12=; no amino-acid change (arginine 12 retained).
Molecular consequence: synonymous variant.
Genome position (GRCh38, 1-based): chr9:98,807,734, G>A. VCF-style: chr9-98807734-G-A. GRCh37 (hg19) VCF-style: chr9-101570016-G-A.
Identifiers: ClinVar variation 1734080 (VCV001734080.3), dbSNP rs2490454748, ClinGen allele CA466423666.

ClinVar aggregate classification (germline): Benign/Likely benign. Review status: criteria provided, multiple submitters, no conflicts (2 of 4 stars). 2 submissions from 2 submitters: Benign (1); Likely benign (1). Last evaluated 2026-04-22.

Conditions:
Colorectal cancer, susceptibility to, 1. Also called: COLORECTAL ADENOMA AND CANCER, SUSCEPTIBILITY TO; COLORECTAL CANCER, SUSCEPTIBILITY TO, ON CHROMOSOME 9. Identifiers: MedGen C1837315, MONDO:0012132, OMIM 608812.

Submissions (2):

Myriad Genetics, Inc.
Classification: Benign for Colorectal cancer, susceptibility to, 1. Last evaluated: 2026-04-22. Review status: criteria provided, single submitter. Criteria: Myriad Autosomal Dominant, Autosomal Recessive and X-Linked Classification Criteria (2023). Collection method: clinical testing. Allele origin: unknown.
Comment: This variant is considered benign. This variant is a silent/synonymous amino acid change and it is not expected to impact splicing.

Ambry Genetics
Classification: Likely benign. Last evaluated: 2022-07-10. Review status: criteria provided, single submitter. Criteria: Ambry Variant Classification Scheme 2023. Collection method: clinical testing. Allele origin: germline.